The following is an entry in ClinVar:

ClinVar aggregate classification (germline): Likely benign (1 of 4 stars; one submission).

Conditions:
SLC9A1-related disorder. Also called: SLC9A1-related condition.

gnomAD v4.1: 13 of 1,612,264 alleles (0.00081%); highest among the groups gnomAD compares: African/African-American, 0.013%; no homozygotes.

Submission:

PreventionGenetics, part of Exact Sciences
Classification: Likely benign for SLC9A1-related condition. Last evaluated: 2026-02-24. Review status: criteria provided, single submitter. Criteria: ACMG Guidelines, 2015. Collection method: clinical testing. Allele origin: germline.
Comment: This variant is classified as likely benign based on ACMG/AMP sequence variant interpretation guidelines (Richards et al. 2015 PMID: 25741868, with internal and published modifications).

NM_003047.5(SLC9A1):c.2019C>T (p.Ala673=)

Gene: SLC9A1 (solute carrier family 9 member A1; minus strand). Cytogenetic location: 1p36.11.
Variant type: single nucleotide variant.
Coding change: c.2019C>T on transcript NM_003047.5 (MANE Select); coding-DNA position 2019, C replaced by T.
Protein change: p.Ala673=; no amino-acid change (alanine 673 retained).
Molecular consequence: synonymous variant. On other transcripts: non-coding transcript variant (1).
Genome position (GRCh38, 1-based): chr1:27,101,743, G>A on the plus strand (C>T on the coding strand, the complement: SLC9A1 is on the minus strand). VCF-style: chr1-27101743-G-A. GRCh37 (hg19) VCF-style: chr1-27428234-G-A.
Identifiers: ClinVar variation 4984880 (VCV004984880.1).